The following is an entry in ClinVar:

NM_001999.4(FBN2):c.3689G>C (p.Gly1230Ala)

Gene: FBN2 (fibrillin 2; minus strand). Cytogenetic location: 5q23.3.
Variant type: single nucleotide variant.
Coding change: c.3689G>C on transcript NM_001999.4 (MANE Select); coding-DNA position 3689, G replaced by C.
Protein change: p.Gly1230Ala; replaces glycine 1230 with alanine.
Molecular consequence: missense variant.
Genome position (GRCh38, 1-based): chr5:128,336,023, C>G on the plus strand (G>C on the coding strand, the complement: FBN2 is on the minus strand). VCF-style: chr5-128336023-C-G. GRCh37 (hg19) VCF-style: chr5-127671715-C-G.
Other names: short protein forms G1230A.
Identifiers: ClinVar variation 945369 (VCV000945369.10), dbSNP rs1047464870, ClinGen allele CA127014078.

ClinVar aggregate classification (germline): Uncertain significance (1 of 4 stars; one submission).

Conditions:
Congenital contractural arachnodactyly (CCA). Also called: BEALS SYNDROME; Arthrogryposis, distal, type 9; Beals-Hecht syndrome. Identifiers: Orphanet 115, MedGen C0220668, MONDO:0007363, OMIM 121050.

Allele frequency attached by ClinVar (database versions not stated): gnomAD exomes 0.00001.
gnomAD v4.1: 10 of 1,614,022 alleles (0.00062%); highest among the groups gnomAD compares: Non-Finnish European, 0.00076%; no homozygotes.

Submission:

Labcorp Genetics (formerly Invitae), Labcorp
Classification: Uncertain significance for Congenital contractural arachnodactyly. Last evaluated: 2022-06-03. Review status: criteria provided, single submitter. Criteria: Invitae Variant Classification Sherloc (09022015). Collection method: clinical testing. Allele origin: germline.
Comment: This sequence change replaces glycine, which is neutral and non-polar, with alanine, which is neutral and non-polar, at codon 1230 of the FBN2 protein (p.Gly1230Ala). This variant is not present in population databases (gnomAD no frequency). This variant has not been reported in the literature in individuals affected with FBN2-related conditions. ClinVar contains an entry for this variant (Variation ID: 945369). Advanced modeling of protein sequence and biophysical properties (such as structural, functional, and spatial information, amino acid conservation, physicochemical variation, residue mobility, and thermodynamic stability) performed at Invitae indicates that this missense variant is expected to disrupt FBN2 protein function. In summary, the available evidence is currently insufficient to determine the role of this variant in disease. Therefore, it has been classified as a Variant of Uncertain Significance.